The following is an entry in ClinVar:

NM_001267550.2(TTN):c.55503G>A (p.Lys18501=)

Genes: TTN (titin; minus strand), TTN-AS1 (TTN antisense RNA 1; plus strand). Cytogenetic location: 2q31.2.
Variant type: single nucleotide variant.
Coding change: c.55503G>A on transcript NM_001267550.2 (MANE Select); coding-DNA position 55503, G replaced by A.
Protein change: p.Lys18501=; no amino-acid change (lysine 18501 retained).
Molecular consequence: synonymous variant.
Genome position (GRCh38, 1-based): chr2:178,601,494, C>T on the plus strand (G>A on the coding strand, the complement: TTN is on the minus strand). VCF-style: chr2-178601494-C-T. GRCh37 (hg19) VCF-style: chr2-179466221-C-T.
Other names: c.28308G>A, p.Lys9436= (NM_003319.4); c.47799G>A, p.Lys15933= (NM_133378.4); c.50580G>A, p.Lys16860= (NM_001256850.1); c.28683G>A, p.Lys9561= (NM_133432.3); c.28884G>A, p.Lys9628= (NM_133437.4).
Identifiers: ClinVar variation 289443 (VCV000289443.8), dbSNP rs879239475, ClinGen allele CA10606446.

ClinVar aggregate classification (germline): Conflicting classifications of pathogenicity. Review status: criteria provided, conflicting classifications (1 of 4 stars). 3 submissions from 3 submitters: Uncertain significance (1); Likely benign (2). Last evaluated 2023-12-03.

Conditions:
Autosomal recessive limb-girdle muscular dystrophy type 2J (LGMDR10). Also called: Limb-girdle muscular dystrophy, type 2J; MUSCULAR DYSTROPHY, LIMB-GIRDLE, AUTOSOMAL RECESSIVE 10. Identifiers: Orphanet 140922, MedGen C1837342, MONDO:0012127, OMIM 608807.
Dilated cardiomyopathy 1G (CMD1G). Identifiers: Orphanet 154, MedGen C1858763, MONDO:0011400, OMIM 604145.

Allele frequency attached by ClinVar (database versions not stated): gnomAD 0.00001; TOPMed 0.00001.
gnomAD v4.1: 2 of 1,612,922 alleles (0.00012%); highest among the groups gnomAD compares: African/African-American, 0.0027%; no homozygotes.

Submissions (3):

Labcorp Genetics (formerly Invitae), Labcorp
Classification: Likely benign for Dilated cardiomyopathy 1G; Autosomal recessive limb-girdle muscular dystrophy type 2J. Last evaluated: 2023-12-03. Review status: criteria provided, single submitter. Criteria: Invitae Variant Classification Sherloc (09022015). Collection method: clinical testing. Allele origin: germline.

GeneDx
Classification: Likely benign. Last evaluated: 2017-04-25. Review status: criteria provided, single submitter. Criteria: GeneDx Variant Classification (06012015). Collection method: clinical testing. Allele origin: germline. Affected: yes.
Comment: This variant is considered likely benign or benign based on one or more of the following criteria: it is a conservative change, it occurs at a poorly conserved position in the protein, it is predicted to be benign by multiple in silico algorithms, and/or has population frequency not consistent with disease.

Eurofins Ntd Llc (ga)
Classification: Uncertain significance. Last evaluated: 2017-03-30. Review status: criteria provided, single submitter. Criteria: EGL Classification Definitions 2015. Collection method: clinical testing. Allele origin: germline. Observed: 1 variant allele, 1 heterozygote.